The following is an entry in ClinVar:

NM_004329.3(BMPR1A):c.526T>A (p.Tyr176Asn)

Gene: BMPR1A (bone morphogenetic protein receptor type 1A; plus strand). Cytogenetic location: 10q23.2.
Variant type: single nucleotide variant.
Coding change: c.526T>A on transcript NM_004329.3 (MANE Select); coding-DNA position 526, T replaced by A.
Protein change: p.Tyr176Asn; replaces tyrosine 176 with asparagine.
Molecular consequence: missense variant.
Genome position (GRCh38, 1-based): chr10:86,900,122, T>A. VCF-style: chr10-86900122-T-A. GRCh37 (hg19) VCF-style: chr10-88659879-T-A.
Other names: short protein forms Y176N.
Identifiers: ClinVar variation 825605 (VCV000825605.4), dbSNP rs1564717948, ClinGen allele CA377450756.
Genomic context (GRCh38, chr10:86,900,122, plus strand): 5'-TTGCTCATTTCTATGGCTGTCTGCATAATTGCTATGATCATCTTCTCCAGCTGCTTTTGT[T>A]ACAAGTAAGAAGATATTTATTTTGAAGCAAAATATTTTGTCAAATATTAGATGTCAACCG-3'
Protein context (NP_004320.2, residues 166-186): AMIIFSSCFC[Tyr176Asn]KHYCKSISSR

ClinVar aggregate classification (germline): Uncertain significance (1 of 4 stars; one submission).

Conditions:
Hereditary cancer-predisposing syndrome. Also called: Neoplastic Syndromes, Hereditary; Tumor predisposition; Hereditary neoplastic syndrome; Hereditary Cancer Syndrome. Identifiers: Orphanet 140162, MedGen C0027672, MeSH D009386, MONDO:0015356.

Submission:

Ambry Genetics
Classification: Uncertain significance for Hereditary cancer-predisposing syndrome. Last evaluated: 2018-06-26. Review status: criteria provided, single submitter. Criteria: Ambry Variant Classification Scheme 2023. Collection method: clinical testing. Allele origin: germline.
Comment: The p.Y176N variant (also known as c.526T>A), located in coding exon 5 of the BMPR1A gene, results from a T to A substitution at nucleotide position 526. The tyrosine at codon 176 is replaced by asparagine, an amino acid with dissimilar properties. This amino acid position is highly conserved in available vertebrate species. In addition, this alteration is predicted to be deleterious by in silico analysis. Since supporting evidence is limited at this time, the clinical significance of this alteration remains unclear.